The following is an entry in ClinVar:

NM_012144.4(DNAI1):c.1490G>T (p.Gly497Val)

Gene: DNAI1 (dynein axonemal intermediate chain 1; plus strand). Cytogenetic location: 9p13.3.
Variant type: single nucleotide variant.
Coding change: c.1490G>T on transcript NM_012144.4 (MANE Select); coding-DNA position 1490, G replaced by T.
Protein change: p.Gly497Val; replaces glycine 497 with valine.
Molecular consequence: missense variant.
Genome position (GRCh38, 1-based): chr9:34,513,112, G>T. VCF-style: chr9-34513112-G-T. GRCh37 (hg19) VCF-style: chr9-34513110-G-T.
Other names: c.1502G>T, p.Gly501Val (NM_001281428.2); short protein forms G497V, G501V.
Identifiers: ClinVar variation 1067969 (VCV001067969.7), dbSNP rs376252276, ClinGen allele CA192650684.

ClinVar aggregate classification (germline): Pathogenic (1 of 4 stars; one submission).

Conditions:
Primary ciliary dyskinesia. Also called: Ciliary dyskinesia. Identifiers: Orphanet 244, MedGen C0008780, MONDO:0016575, HP:0012265.

gnomAD v4.1: 4 of 1,613,834 alleles (0.00025%); highest among the groups gnomAD compares: Non-Finnish European, 0.00034%; no homozygotes.

Submission:

Labcorp Genetics (formerly Invitae), Labcorp
Classification: Pathogenic for Primary ciliary dyskinesia. Last evaluated: 2026-01-19. Review status: criteria provided, single submitter. Criteria: Invitae Variant Classification Sherloc (09022015). Collection method: clinical testing. Allele origin: germline.
Comment: This sequence change replaces glycine, which is neutral and non-polar, with valine, which is neutral and non-polar, at codon 497 of the DNAI1 protein (p.Gly497Val). This variant is present in population databases (no rsID available, gnomAD 0.0009%). This missense change has been observed in individual(s) with primary ciliary dyskinesia (internal data). ClinVar contains an entry for this variant (Variation ID: 1067969). An algorithm developed to predict the effect of missense changes on protein structure and function (PolyPhen-2) suggests that this variant is likely to be tolerated. Algorithms developed to predict the effect of sequence changes on RNA splicing suggest that this variant may disrupt the consensus splice site. This variant disrupts the p.Gly497 nucleotide in the DNAI1 gene. Other variant(s) that disrupt this nucleotide have been determined to be pathogenic (PMID: 16858015). This suggests that this nucleotide is clinically significant, and that variants that disrupt this position are likely to be disease-causing. For these reasons, this variant has been classified as Pathogenic.

Literature cited by the submitters: PubMed 16858015.